The following is an entry in ClinVar:

ClinVar aggregate classification (germline): Uncertain significance (1 of 4 stars; one submission).

Conditions:
Inborn genetic diseases. Identifiers: MedGen C0950123, MeSH D030342.

Submission:

Ambry Genetics
Classification: Uncertain significance for Inborn genetic diseases. Last evaluated: 2023-03-02. Review status: criteria provided, single submitter. Criteria: Ambry Variant Classification Scheme 2023. Collection method: clinical testing. Allele origin: germline.
Comment: Not expected to trigger nonsense-mediated mRNA decay; Loss of function has not been established as a mechanism of disease for MPZ-related neuropathic disorders (AD) Based on insufficient or conflicting evidence, the clinical significance of this alteration remains unclear.

NM_000530.8(MPZ):c.724del (p.Glu242fs)

Gene: MPZ (myelin protein zero; minus strand). Cytogenetic location: 1q23.3.
Variant type: Deletion.
Coding change: c.724del on transcript NM_000530.8 (MANE Select); coding-DNA position 724, one base deleted (G; older notation c.724delG).
Protein change: p.Glu242fs; shifts the reading frame from glutamic acid 242.
Molecular consequence: frameshift variant.
Genome position (GRCh38, 1-based): chr1:161,305,899, C deleted on the plus strand (G on the coding strand, the reverse complement: MPZ is on the minus strand); the first of 5 consecutive C bases (chr1:161,305,899-161,305,903); deleting any one gives the same sequence. VCF-style (leftmost placement, unchanged base first): chr1-161305898-TC-T. GRCh37 (hg19) VCF-style: chr1-161275688-TC-T.
Other names: c.724del, p.Glu242fs (NM_001315491.2); c.724delG (NM_000530.6); short protein forms E242fs.
Identifiers: ClinVar variation 1757909 (VCV001757909.3), dbSNP rs747565421, ClinGen allele CA1210060.